The following is an entry in ClinVar:

ClinVar aggregate classification (germline): Pathogenic (1 of 4 stars; one submission).

Submission:

Institute for Clinical Genetics, University Hospital TU Dresden, University Hospital TU Dresden
Classification: Pathogenic. Last evaluated: 2021-10-05. Review status: criteria provided, single submitter. Criteria: ACMG Guidelines, 2015. Collection method: clinical testing. Allele origin: germline.
Comment: PVS1, PP4_MOD, PM2_SUP

NM_000090.4(COL3A1):c.2607+1G>T

Gene: COL3A1 (collagen type III alpha 1 chain; plus strand). Cytogenetic location: 2q32.2.
Variant type: single nucleotide variant.
Coding change: c.2607+1G>T on transcript NM_000090.4 (MANE Select); the canonical splice donor site of the intron after coding-DNA position 2607, G replaced by T.
Molecular consequence: splice donor variant.
Genome position (GRCh38, 1-based): chr2:189,003,465, G>T. VCF-style: chr2-189003465-G-T. GRCh37 (hg19) VCF-style: chr2-189868191-G-T.
Identifiers: ClinVar variation 2576150 (VCV002576150.1), dbSNP rs2469152222, ClinGen allele CA349843528.